The following is an entry in ClinVar:

ClinVar aggregate classification (germline): Uncertain significance. Review status: criteria provided, multiple submitters, no conflicts (2 of 4 stars). 2 submissions from 2 submitters: Uncertain significance (2). Last evaluated 2025-10-02.

Conditions:
Hereditary cancer-predisposing syndrome. Also called: Hereditary neoplastic syndrome; Neoplastic Syndromes, Hereditary; Tumor predisposition; Hereditary Cancer Syndrome. Identifiers: Orphanet 140162, MedGen C0027672, MeSH D009386, MONDO:0015356.

Allele frequency attached by ClinVar (database versions not stated): TOPMed below 0.00001.

Submissions (2):

Ambry Genetics
Classification: Uncertain significance for Hereditary cancer-predisposing syndrome. Last evaluated: 2025-10-02. Review status: criteria provided, single submitter. Criteria: Ambry Variant Classification Scheme 2023. Collection method: clinical testing. Allele origin: germline.
Comment: The p.K246E variant (also known as c.736A>G), located in coding exon 5 of the CTNNA1 gene, results from an A to G substitution at nucleotide position 736. The lysine at codon 246 is replaced by glutamic acid, an amino acid with similar properties. This amino acid position is highly conserved in available vertebrate species. In addition, the in silico prediction for this alteration is inconclusive. Based on the available evidence, the clinical significance of this variant remains unclear.

Labcorp Genetics (formerly Invitae), Labcorp
Classification: Uncertain significance. Last evaluated: 2023-07-26. Review status: criteria provided, single submitter. Criteria: Invitae Variant Classification Sherloc (09022015). Collection method: clinical testing. Allele origin: germline.
Comment: In summary, the available evidence is currently insufficient to determine the role of this variant in disease. Therefore, it has been classified as a Variant of Uncertain Significance. An algorithm developed to predict the effect of missense changes on protein structure and function (PolyPhen-2) suggests that this variant is likely to be tolerated. ClinVar contains an entry for this variant (Variation ID: 1006690). This variant has not been reported in the literature in individuals affected with CTNNA1-related conditions. This variant is present in population databases (no rsID available, gnomAD 0.007%). This sequence change replaces lysine, which is basic and polar, with glutamic acid, which is acidic and polar, at codon 246 of the CTNNA1 protein (p.Lys246Glu).

NM_001903.5(CTNNA1):c.736A>G (p.Lys246Glu)

Gene: CTNNA1 (catenin alpha 1; plus strand). Cytogenetic location: 5q31.2.
Variant type: single nucleotide variant.
Coding change: c.736A>G on transcript NM_001903.5 (MANE Select); coding-DNA position 736, A replaced by G.
Protein change: p.Lys246Glu; replaces lysine 246 with glutamic acid.
Molecular consequence: missense variant.
Genome position (GRCh38, 1-based): chr5:138,824,677, A>G. VCF-style: chr5-138824677-A-G. GRCh37 (hg19) VCF-style: chr5-138160366-A-G.
Other names: c.736A>G (NM_001903.2); c.736A>G, p.Lys246Glu (NM_001290307.3, NM_001323982.2, NM_001323983.1 and 3 more transcripts); c.427A>G, p.Lys143Glu (NM_001290309.3); c.367A>G, p.Lys123Glu (NM_001290310.3); short protein forms K123E, K143E, K246E.
Identifiers: ClinVar variation 1006690 (VCV001006690.9), dbSNP rs781342935, ClinGen allele CA361129897.
Genomic context (GRCh38, chr5:138,824,677, plus strand): 5'-CAGGCATGCCTACAGCACCCTGATGTCGCAGCCTATAAGGCCAACAGGGACCTGATATAC[A>G]AGCAGCTGCAGCAGGCGGTCACAGGCATTTCCAATGCAGCCCAGGCCACTGCCTCAGACG-3'
Protein context (NP_001894.2, residues 236-256): AYKANRDLIY[Lys246Glu]QLQQAVTGIS